The following is an entry in ClinVar:

NM_001903.5(CTNNA1):c.1862G>C (p.Gly621Ala)

Gene: CTNNA1 (catenin alpha 1; plus strand). Cytogenetic location: 5q31.2.
Variant type: single nucleotide variant.
Coding change: c.1862G>C on transcript NM_001903.5 (MANE Select); coding-DNA position 1862, G replaced by C.
Protein change: p.Gly621Ala; replaces glycine 621 with alanine.
Molecular consequence: missense variant.
Genome position (GRCh38, 1-based): chr5:138,925,370, G>C. VCF-style: chr5-138925370-G-C. GRCh37 (hg19) VCF-style: chr5-138261059-G-C.
Other names: c.1862G>C, p.Gly621Ala (NM_001290307.3, NM_001323982.2, NM_001323983.1 and 2 more transcripts); c.1553G>C, p.Gly518Ala (NM_001290309.3); c.1493G>C, p.Gly498Ala (NM_001290310.3); c.752G>C, p.Gly251Ala (NM_001290312.1, NM_001323987.1, NM_001323988.1 and 17 more transcripts); c.1769G>C, p.Gly590Ala (NM_001323986.2); c.413G>C, p.Gly138Ala (NM_001324006.1, NM_001324007.1, NM_001324008.1 and 2 more transcripts); c.659G>C, p.Gly220Ala (NM_001324011.1); c.509G>C, p.Gly170Ala (NM_001324012.1, NM_001324013.1); short protein forms G170A, G621A, G498A, G251A, G590A, G138A, G220A, G518A.
Identifiers: ClinVar variation 1781527 (VCV001781527.2), dbSNP rs1580862235, ClinGen allele CA361132370.

ClinVar aggregate classification (germline): Uncertain significance (1 of 4 stars; one submission).

Conditions:
Hereditary cancer-predisposing syndrome. Also called: Neoplastic Syndromes, Hereditary; Tumor predisposition; Hereditary Cancer Syndrome; Hereditary neoplastic syndrome. Identifiers: Orphanet 140162, MedGen C0027672, MeSH D009386, MONDO:0015356.

Submission:

Ambry Genetics
Classification: Uncertain significance for Hereditary cancer-predisposing syndrome. Last evaluated: 2021-02-05. Review status: criteria provided, single submitter. Criteria: Ambry Variant Classification Scheme 2023. Collection method: clinical testing. Allele origin: germline.
Comment: The p.G621A variant (also known as c.1862G>C), located in coding exon 12 of the CTNNA1 gene, results from a G to C substitution at nucleotide position 1862. The glycine at codon 621 is replaced by alanine, an amino acid with similar properties. This amino acid position is highly conserved in available vertebrate species. In addition, the in silico prediction for this alteration is inconclusive. Since supporting evidence is limited at this time, the clinical significance of this alteration remains unclear.